The following is an entry in ClinVar:

ClinVar aggregate classification (germline): Conflicting classifications of pathogenicity. Review status: criteria provided, conflicting classifications (1 of 4 stars). 2 submissions from 2 submitters: Uncertain significance (1); Likely benign (1). Last evaluated 2026-01-25.

Allele frequency attached by ClinVar (database versions not stated): ExAC 0.00002; gnomAD exomes 0.00002; gnomAD 0.00003; TOPMed 0.00003.
gnomAD v4.1: 33 of 1,611,576 alleles (0.002%); highest among the groups gnomAD compares: Middle Eastern, 0.049%; no homozygotes.

Submissions (2):

Labcorp Genetics (formerly Invitae), Labcorp
Classification: Uncertain significance. Last evaluated: 2026-01-25. Review status: criteria provided, single submitter. Criteria: Invitae Variant Classification Sherloc (09022015). Collection method: clinical testing. Allele origin: germline.
Comment: This sequence change falls in intron 10 of the SRP54 gene. It does not directly change the encoded amino acid sequence of the SRP54 protein. It affects a nucleotide within the consensus splice site. This variant is present in population databases (rs762871779, gnomAD 0.005%). This variant has not been reported in the literature in individuals affected with SRP54-related conditions. ClinVar contains an entry for this variant (Variation ID: 1898185). Variants that disrupt the consensus splice site are a relatively common cause of aberrant splicing (PMID: 17576681, 9536098). Algorithms developed to predict the effect of sequence changes on RNA splicing suggest that this variant is not likely to affect RNA splicing. In summary, the available evidence is currently insufficient to determine the role of this variant in disease. Therefore, it has been classified as a Variant of Uncertain Significance.

CeGaT Center for Human Genetics Tuebingen
Classification: Likely benign. Last evaluated: 2022-10-01. Review status: criteria provided, single submitter. Criteria: CeGaT Center For Human Genetics Tuebingen Variant Classification Criteria Version 2. Collection method: clinical testing. Allele origin: germline. Affected: yes. Observed: 1 variant allele.
Comment: SRP54: BP4

Literature cited by the submitters: PubMed 17576681 (cited by Labcorp Genetics (formerly Invitae), Labcorp); PubMed 9536098 (cited by Labcorp Genetics (formerly Invitae), Labcorp).

NM_003136.4(SRP54):c.887-3T>C

Gene: SRP54 (signal recognition particle 54; plus strand). Cytogenetic location: 14q13.2.
Variant type: single nucleotide variant.
Coding change: c.887-3T>C on transcript NM_003136.4 (MANE Select); 3 bases into the intron before coding-DNA position 887, T replaced by C.
Molecular consequence: intron variant.
Genome position (GRCh38, 1-based): chr14:35,014,741, T>C. VCF-style: chr14-35014741-T-C. GRCh37 (hg19) VCF-style: chr14-35483947-T-C.
Other names: c.740-3T>C (NM_001146282.2).
Identifiers: ClinVar variation 1898185 (VCV001898185.29), dbSNP rs762871779, ClinGen allele CA7153720.